The following is an entry in ClinVar:

ClinVar aggregate classification (germline): Uncertain significance (1 of 4 stars; one submission).

Conditions:
Fanconi anemia (FA). Also called: Fanconi's anemia. Identifiers: Orphanet 84, MedGen C0015625, MeSH D005199, MONDO:0019391.

Submission:

Labcorp Genetics (formerly Invitae), Labcorp
Classification: Uncertain significance for Fanconi anemia. Last evaluated: 2024-04-16. Review status: criteria provided, single submitter. Criteria: Invitae Variant Classification Sherloc (09022015). Collection method: clinical testing. Allele origin: germline.
Comment: This sequence change replaces leucine, which is neutral and non-polar, with phenylalanine, which is neutral and non-polar, at codon 9 of the FANCL protein (p.Leu9Phe). This variant is not present in population databases (gnomAD no frequency). This variant has not been reported in the literature in individuals affected with FANCL-related conditions. ClinVar contains an entry for this variant (Variation ID: 2191046). An algorithm developed to predict the effect of missense changes on protein structure and function (PolyPhen-2) suggests that this variant is likely to be disruptive. In summary, the available evidence is currently insufficient to determine the role of this variant in disease. Therefore, it has been classified as a Variant of Uncertain Significance.

NM_018062.4(FANCL):c.27G>T (p.Leu9Phe)

Gene: FANCL (FA complementation group L; minus strand). Cytogenetic location: 2p16.1.
Variant type: single nucleotide variant.
Coding change: c.27G>T on transcript NM_018062.4 (MANE Select); coding-DNA position 27, G replaced by T.
Protein change: p.Leu9Phe; replaces leucine 9 with phenylalanine.
Molecular consequence: missense variant.
Genome position (GRCh38, 1-based): chr2:58,241,287, C>A on the plus strand (G>T on the coding strand, the complement: FANCL is on the minus strand). VCF-style: chr2-58241287-C-A. GRCh37 (hg19) VCF-style: chr2-58468422-C-A.
Other names: c.27G>T, p.Leu9Phe (NM_001114636.2, NM_001374615.1, NM_001410792.1); short protein forms L9F.
Identifiers: ClinVar variation 2191046 (VCV002191046.4), dbSNP rs370409722, ClinGen allele CA347035181.